The following is an entry in ClinVar:

ClinVar aggregate classification (germline): Pathogenic. Review status: criteria provided, multiple submitters, no conflicts (2 of 4 stars). 2 submissions from 2 submitters: Pathogenic (2). Last evaluated 2025-06-19.

Conditions:
Familial X-linked hypophosphatemic vitamin D refractory rickets (XLHRD). Also called: X-Linked Hypophosphatemia; HYPOPHOSPHATEMIC VITAMIN D-RESISTANT RICKETS; Hypophosphatemic Rickets, X-Linked Dominant; Hypophosphatemia, vitamin D-resistant rickets; Vitamin D-resistant rickets, X-linked. Identifiers: Orphanet 89936, MedGen C0733682, MONDO:0010619, OMIM 307800.

Submissions (2):

Women's Health and Genetics/Laboratory Corporation of America, LabCorp
Classification: Pathogenic for Familial X-linked hypophosphatemic vitamin D refractory rickets. Last evaluated: 2025-06-19. Review status: criteria provided, single submitter. Criteria: LabCorp Variant Classification Summary - May 2015. Collection method: clinical testing. Allele origin: germline.
Comment: Variant summary: PHEX c.2187delA (p.Ala730LeufsX10) results in a premature termination codon, predicted to cause a truncation of the encoded protein or absence of the protein due to nonsense mediated decay, which are commonly known mechanisms for disease. The variant was absent in 183353 control chromosomes. To our knowledge, no occurrence of c.2187delA in individuals affected with X-Linked Hypophosphatemic Rickets and no experimental evidence demonstrating its impact on protein function have been reported. A downstream variant (c.2239C>T, p.Arg747Ter) has been determined to be likely pathogenic/pathogenic by our laboratory, suggesting that loss of this region of the protein is deleterious. No submitters have cited clinical-significance assessments for this variant to ClinVar. Based on the evidence outlined above, the variant was classified as pathogenic.

Labcorp Genetics (formerly Invitae), Labcorp
Classification: Pathogenic. Last evaluated: 2025-03-30. Review status: criteria provided, single submitter. Criteria: Invitae Variant Classification Sherloc (09022015). Collection method: clinical testing. Allele origin: germline.
Comment: This sequence change creates a premature translational stop signal (p.Ala730Leufs*10) in the PHEX gene. While this is not anticipated to result in nonsense mediated decay, it is expected to disrupt the last 20 amino acid(s) of the PHEX protein. This variant is not present in population databases (gnomAD no frequency). This variant has not been reported in the literature in individuals affected with PHEX-related conditions. This variant disrupts a region of the PHEX protein in which other variant(s) (p.Arg747*) have been determined to be pathogenic (PMID: 9199930, 9768674). This suggests that this is a clinically significant region of the protein, and that variants that disrupt it are likely to be disease-causing. For these reasons, this variant has been classified as Pathogenic.

Literature cited by the submitters: PubMed 9199930 (cited by Labcorp Genetics (formerly Invitae), Labcorp); PubMed 9768674 (cited by Labcorp Genetics (formerly Invitae), Labcorp).

NM_000444.6(PHEX):c.2187del (p.Ala730fs)

Genes: PHEX (phosphate regulating endopeptidase X-linked; plus strand), PTCHD1-AS (PTCHD1 and PHEX antisense RNA; minus strand). Cytogenetic location: Xp22.11.
Variant type: Deletion.
Coding change: c.2187del on transcript NM_000444.6 (MANE Select); coding-DNA position 2187, one base deleted (A; older notation c.2187delA).
Protein change: p.Ala730fs; shifts the reading frame from alanine 730.
Molecular consequence: frameshift variant. On other transcripts: 3 prime UTR variant (1).
Genome position (GRCh38, 1-based): chrX:22,247,890, A deleted; the last of 3 consecutive A bases (chrX:22,247,888-22,247,890); deleting any one gives the same sequence. VCF-style (leftmost placement, unchanged base first): chrX-22247887-GA-G. GRCh37 (hg19) VCF-style: chrX-22266004-GA-G.
Other names: c.*22del (NM_001282754.2); c.2187delA (NM_000444.6); short protein forms A730fs.
Identifiers: ClinVar variation 3907655 (VCV003907655.2).